The following is an entry in ClinVar:

NM_015338.6(ASXL1):c.3050A>G (p.Asp1017Gly)

Gene: ASXL1 (ASXL transcriptional regulator 1; plus strand). Cytogenetic location: 20q11.21.
Variant type: single nucleotide variant.
Coding change: c.3050A>G on transcript NM_015338.6 (MANE Select); coding-DNA position 3050, A replaced by G.
Protein change: p.Asp1017Gly; replaces aspartic acid 1017 with glycine.
Molecular consequence: missense variant.
Genome position (GRCh38, 1-based): chr20:32,435,762, A>G. VCF-style: chr20-32435762-A-G. GRCh37 (hg19) VCF-style: chr20-31023565-A-G.
Other names: c.2867A>G, p.Asp956Gly (NM_001363734.1); short protein forms D1017G, D956G.
Identifiers: ClinVar variation 4864820 (VCV004864820.1).
Genomic context (GRCh38, chr20:32,435,762, plus strand): 5'-AGTCCACGGATACAGCCTCTGACTTTGAAGGTCACCTCACGGAGGACAGCAGTGAGGCTG[A>G]CACTAGAGAAGCTGCAGTGACAAAGGGATCTTCGGTGGACAAGGATGAGAAACCCAATTG-3'
Protein context (NP_056153.2, residues 1007-1027): GHLTEDSSEA[Asp1017Gly]TREAAVTKGS

ClinVar aggregate classification (germline): Uncertain significance (1 of 4 stars; one submission).

Conditions:
Inborn genetic diseases. Identifiers: MedGen C0950123, MeSH D030342.

Submission:

Ambry Genetics
Classification: Uncertain significance for Inborn genetic diseases. Last evaluated: 2026-05-26. Review status: criteria provided, single submitter. Criteria: Ambry Variant Classification Scheme 2023. Collection method: clinical testing. Allele origin: germline.
Comment: The p.D1017G variant (also known as c.3050A>G), located in coding exon 13 of the ASXL1 gene, results from an A to G substitution at nucleotide position 3050. The aspartic acid at codon 1017 is replaced by glycine, an amino acid with similar properties. This amino acid position is conserved. In addition, this alteration is predicted to be tolerated by in silico analysis. Based on the available evidence, the clinical significance of this variant remains unclear.